The following is an entry in ClinVar:

NM_001370259.2(MEN1):c.1391C>T (p.Ala464Val)

Gene: MEN1 (menin 1; minus strand). Cytogenetic location: 11q13.1.
Variant type: single nucleotide variant.
Coding change: c.1391C>T on transcript NM_001370259.2 (MANE Select); coding-DNA position 1391, C replaced by T.
Protein change: p.Ala464Val; replaces alanine 464 with valine.
Molecular consequence: missense variant.
Genome position (GRCh38, 1-based): chr11:64,804,776, G>A on the plus strand (C>T on the coding strand, the complement: MEN1 is on the minus strand). VCF-style: chr11-64804776-G-A. GRCh37 (hg19) VCF-style: chr11-64572248-G-A.
Other names: c.1406C>T, p.Ala469Val (NM_000244.4, NM_130800.3, NM_130801.3 and 3 more transcripts); c.1517C>T, p.Ala506Val (NM_001370251.2); c.1391C>T, p.Ala464Val (NM_001370260.2, NM_001370261.2, NM_130799.3); c.1286C>T, p.Ala429Val (NM_001370262.2, NM_001370263.2); short protein forms A464V, A469V, A429V, A506V.
Identifiers: ClinVar variation 403807 (VCV000403807.19), dbSNP rs778728934, ClinGen allele CA060593.

ClinVar aggregate classification (germline): Conflicting classifications of pathogenicity. Review status: criteria provided, conflicting classifications (1 of 4 stars). 4 submissions from 4 submitters: Uncertain significance (1); Benign (1); Likely benign (2). Last evaluated 2025-12-21.

Conditions:
Hereditary cancer-predisposing syndrome. Also called: Tumor predisposition; Neoplastic Syndromes, Hereditary; Hereditary Cancer Syndrome; Hereditary neoplastic syndrome. Identifiers: Orphanet 140162, MedGen C0027672, MeSH D009386, MONDO:0015356.
Multiple endocrine neoplasia, type 1 (MEN1). Also called: MEN I; WERMER SYNDROME; Endocrine adenomatosis multiple; MEN 1; MEA I. Identifiers: Orphanet 652, MedGen C0025267, MeSH D018761, MONDO:0007540, OMIM 131100.

Allele frequency attached by ClinVar (database versions not stated): gnomAD 0.00001; gnomAD exomes 0.00007; ExAC 0.00009.
gnomAD v4.1: 50 of 1,596,758 alleles (0.0031%); highest among the groups gnomAD compares: South Asian, 0.055%; no homozygotes.

Submissions (4):

Labcorp Genetics (formerly Invitae), Labcorp
Classification: Likely benign for Multiple endocrine neoplasia, type 1. Last evaluated: 2025-12-21. Review status: criteria provided, single submitter. Criteria: Invitae Variant Classification Sherloc (09022015). Collection method: clinical testing. Allele origin: germline.

Myriad Genetics, Inc.
Classification: Likely benign for Multiple endocrine neoplasia, type 1. Last evaluated: 2024-08-08. Review status: criteria provided, single submitter. Criteria: Myriad Autosomal Dominant, Autosomal Recessive and X-Linked Classification Criteria (2023). Collection method: clinical testing. Allele origin: unknown.
Comment: This variant is considered likely benign. This variant has been observed at a population frequency that is significantly greater than expected given the associated disease prevalence and penetrance.

Ambry Genetics
Classification: Benign for Hereditary cancer-predisposing syndrome. Last evaluated: 2023-08-08. Review status: criteria provided, single submitter. Criteria: Ambry Variant Classification Scheme 2023. Collection method: clinical testing. Allele origin: germline.

ARUP Laboratories, Molecular Genetics and Genomics, ARUP Laboratories
Classification: Uncertain significance. Last evaluated: 2020-07-24. Review status: criteria provided, single submitter. Criteria: ARUP Molecular Germline Variant Investigation Process. Collection method: clinical testing. Allele origin: germline.
Comment: The MEN1 c.1391C>T; p.Ala464Val variant (rs778728934), to our knowledge, is not reported in the medical literature. The variant is listed in the ClinVar database (Variation ID: 403807) and is reported in the South Asian population with an allele frequency of 0.05% (14/30252 alleles) in the Genome Aggregation Database. The alanine at codon 464 is moderately conserved, and computational analyses (SIFT, PolyPhen-2) predict that this variant is tolerated. Due to limited information, the clinical significance of the p.Ala464Val variant is uncertain at this time.